The following is an entry in ClinVar:

NM_024577.4(SH3TC2):c.732-15T>A

Gene: SH3TC2 (SH3 domain and tetratricopeptide repeats 2; minus strand). Cytogenetic location: 5q32.
Variant type: single nucleotide variant.
Coding change: c.732-15T>A on transcript NM_024577.4 (MANE Select); 15 bases into the intron before coding-DNA position 732, T replaced by A.
Molecular consequence: intron variant.
Genome position (GRCh38, 1-based): chr5:149,040,692, A>T on the plus strand (T>A on the coding strand, the complement: SH3TC2 is on the minus strand). VCF-style: chr5-149040692-A-T. GRCh37 (hg19) VCF-style: chr5-148420255-A-T.
Identifiers: ClinVar variation 4881055 (VCV004881055.2).

ClinVar aggregate classification (germline): Uncertain significance (1 of 4 stars; one submission).

Submission:

Dasa
Classification: Uncertain significance. Last evaluated: 2025-01-23. Review status: criteria provided, single submitter. Criteria: DASA Assertion Criteria. Collection method: clinical testing. Allele origin: germline.
Comment: NM_024577.4(SH3TC2):c.732-15T>A is an intronic variant. This variant is absent from population databases. The currently available literature and clinical evidence are not sufficient to establish a definitive association between this variant and the reported condition. Therefore, this variant is classified as a variant of uncertain significance.